The following is an entry in ClinVar:

ClinVar aggregate classification (germline): Uncertain significance (1 of 4 stars; one submission).

Submission:

Labcorp Genetics (formerly Invitae), Labcorp
Classification: Uncertain significance. Last evaluated: 2021-10-24. Review status: criteria provided, single submitter. Criteria: Invitae Variant Classification Sherloc (09022015). Collection method: clinical testing. Allele origin: germline.
Comment: This variant has not been reported in the literature in individuals affected with PRPF31-related conditions. This sequence change replaces valine, which is neutral and non-polar, with leucine, which is neutral and non-polar, at codon 316 of the PRPF31 protein (p.Val316Leu). This variant is not present in population databases (gnomAD no frequency). Algorithms developed to predict the effect of missense changes on protein structure and function (SIFT, PolyPhen-2, Align-GVGD) all suggest that this variant is likely to be tolerated. Algorithms developed to predict the effect of sequence changes on RNA splicing suggest that this variant may disrupt the consensus splice site. In summary, the available evidence is currently insufficient to determine the role of this variant in disease. Therefore, it has been classified as a Variant of Uncertain Significance.

NM_015629.4(PRPF31):c.946G>C (p.Val316Leu)

Gene: PRPF31 (pre-mRNA processing factor 31; plus strand). Cytogenetic location: 19q13.42.
Variant type: single nucleotide variant.
Coding change: c.946G>C on transcript NM_015629.4 (MANE Select); coding-DNA position 946, G replaced by C.
Protein change: p.Val316Leu; replaces valine 316 with leucine.
Molecular consequence: missense variant.
Genome position (GRCh38, 1-based): chr19:54,128,073, G>C. VCF-style: chr19-54128073-G-C. GRCh37 (hg19) VCF-style: chr19-54631448-G-C.
Other names: short protein forms V316L.
Identifiers: ClinVar variation 1389047 (VCV001389047.6), dbSNP rs2146443706, ClinGen allele CA407752798.
Genomic context (GRCh38, chr19:54,128,073, plus strand): 5'-GGAGGCCTGGGTGGGCAGCCCACGCGAGCAGCTGCAGGACCTCCCCCTCGCCCTCCCCAG[G>C]TGGGCTACGAACTGAAGGATGAGATCGAGCGCAAATTCGACAAGTGGCAGGAGCCGCCGC-3'
Protein context (NP_056444.3, residues 306-326): DSFHESTEGK[Val316Leu]GYELKDEIER